The following is an entry in ClinVar:

ClinVar aggregate classification (germline): Uncertain significance (1 of 4 stars; one submission).

Submission:

Labcorp Genetics (formerly Invitae), Labcorp
Classification: Uncertain significance. Last evaluated: 2025-06-16. Review status: criteria provided, single submitter. Criteria: Invitae Variant Classification Sherloc (09022015). Collection method: clinical testing. Allele origin: germline.
Comment: This sequence change replaces alanine, which is neutral and non-polar, with threonine, which is neutral and polar, at codon 593 of the ALPK1 protein (p.Ala593Thr). This variant is not present in population databases (gnomAD no frequency). This variant has not been reported in the literature in individuals affected with ALPK1-related conditions. ClinVar contains an entry for this variant (Variation ID: 3610296). Invitae Evidence Modeling of protein sequence and biophysical properties (such as structural, functional, and spatial information, amino acid conservation, physicochemical variation, residue mobility, and thermodynamic stability) indicates that this missense variant is not expected to disrupt ALPK1 protein function with a negative predictive value of 80%. In summary, the available evidence is currently insufficient to determine the role of this variant in disease. Therefore, it has been classified as a Variant of Uncertain Significance.

NM_025144.4(ALPK1):c.1777G>A (p.Ala593Thr)

Gene: ALPK1 (alpha kinase 1; plus strand). Cytogenetic location: 4q25.
Variant type: single nucleotide variant.
Coding change: c.1777G>A on transcript NM_025144.4 (MANE Select); coding-DNA position 1777, G replaced by A.
Protein change: p.Ala593Thr; replaces alanine 593 with threonine.
Molecular consequence: missense variant.
Genome position (GRCh38, 1-based): chr4:112,431,324, G>A. VCF-style: chr4-112431324-G-A. GRCh37 (hg19) VCF-style: chr4-113352480-G-A.
Other names: c.1777G>A, p.Ala593Thr (NM_001102406.2); c.1543G>A, p.Ala515Thr (NM_001253884.2); short protein forms A515T, A593T.
Identifiers: ClinVar variation 3610296 (VCV003610296.2).
Genomic context (GRCh38, chr4:112,431,324, plus strand): 5'-TCTCTGAGTGGCAGCCAGACTTCCAGTGCTTGGAGCAACTTATCAGGGTTTAGTTCCTCT[G>A]CAAGCTGGGAGGAAGTGAATTATCACGTTGACGACAGGTCAGCCAGAAAAGAGCCTGGCA-3'
Protein context (NP_079420.3, residues 583-603): WSNLSGFSSS[Ala593Thr]SWEEVNYHVD